The following is an entry in ClinVar:

NM_205836.3(FBXO38):c.559A>G (p.Ile187Val)

Gene: FBXO38 (F-box protein 38; plus strand). Cytogenetic location: 5q32.
Variant type: single nucleotide variant.
Coding change: c.559A>G on transcript NM_205836.3 (MANE Select); coding-DNA position 559, A replaced by G.
Protein change: p.Ile187Val; replaces isoleucine 187 with valine.
Molecular consequence: missense variant.
Genome position (GRCh38, 1-based): chr5:148,402,480, A>G. VCF-style: chr5-148402480-A-G. GRCh37 (hg19) VCF-style: chr5-147782043-A-G.
Other names: c.559A>G, p.Ile187Val (NM_001271723.2, NM_030793.5); short protein forms I187V.
Identifiers: ClinVar variation 4739774 (VCV004739774.1).

ClinVar aggregate classification (germline): Uncertain significance (1 of 4 stars; one submission).

Conditions:
Distal hereditary motor neuropathy type 2. Identifiers: Orphanet 139525, MedGen C3711384, MeSH C580044, MONDO:0015352.

gnomAD v4.1: 2 of 1,611,586 alleles (0.00012%); highest among the groups gnomAD compares: Non-Finnish European, 0.00017%; no homozygotes.

Submission:

Labcorp Genetics (formerly Invitae), Labcorp
Classification: Uncertain significance for Distal hereditary motor neuropathy type 2. Last evaluated: 2025-07-29. Review status: criteria provided, single submitter. Criteria: Invitae Variant Classification Sherloc (09022015). Collection method: clinical testing. Allele origin: germline.
Comment: This sequence change replaces isoleucine, which is neutral and non-polar, with valine, which is neutral and non-polar, at codon 187 of the FBXO38 protein (p.Ile187Val). This variant is not present in population databases (gnomAD no frequency). This variant has not been reported in the literature in individuals affected with FBXO38-related conditions. Invitae Evidence Modeling of protein sequence and biophysical properties (such as structural, functional, and spatial information, amino acid conservation, physicochemical variation, residue mobility, and thermodynamic stability) indicates that this missense variant is not expected to disrupt FBXO38 protein function with a negative predictive value of 80%. In summary, the available evidence is currently insufficient to determine the role of this variant in disease. Therefore, it has been classified as a Variant of Uncertain Significance.